The following is an entry in ClinVar:

NM_019109.5(ALG1):c.8C>A (p.Ala3Asp)

Gene: ALG1 (ALG1 chitobiosyldiphosphodolichol beta-mannosyltransferase; plus strand). Cytogenetic location: 16p13.3.
Variant type: single nucleotide variant.
Coding change: c.8C>A on transcript NM_019109.5 (MANE Select); coding-DNA position 8, C replaced by A.
Protein change: p.Ala3Asp; replaces alanine 3 with aspartic acid.
Molecular consequence: missense variant.
Genome position (GRCh38, 1-based): chr16:5,071,857, C>A. VCF-style: chr16-5071857-C-A. GRCh37 (hg19) VCF-style: chr16-5121858-C-A.
Other names: c.8C>A (NM_019109.4); short protein forms A3D.
Identifiers: ClinVar variation 1669865 (VCV001669865.29), dbSNP rs559805054, ClinGen allele CA7889623.

ClinVar aggregate classification (germline): Benign/Likely benign. Review status: criteria provided, multiple submitters, no conflicts (2 of 4 stars). 5 submissions from 5 submitters: Benign (1); Likely benign (4). Last evaluated 2026-01-21.

Conditions:
ALG1-congenital disorder of glycosylation. Also called: ALG1-CDG; CDG Ik; CONGENITAL DISORDER OF GLYCOSYLATION, TYPE Ik. Identifiers: Orphanet 79327, MedGen C2931005, MONDO:0012052, OMIM 608540.
ALG1-related disorder. Also called: ALG1-related condition.

Allele frequency attached by ClinVar (database versions not stated): 1000 Genomes Project 0.00080; 1000 Genomes Project 30x 0.00094; gnomAD exomes 0.00096; ExAC 0.00130.
gnomAD v4.1: 646 of 1,604,626 alleles (0.04%); highest among the groups gnomAD compares: South Asian, 0.62%; 12 homozygotes.

Submissions (5):

Labcorp Genetics (formerly Invitae), Labcorp
Classification: Benign for ALG1-congenital disorder of glycosylation. Last evaluated: 2026-01-21. Review status: criteria provided, single submitter. Criteria: Invitae Variant Classification Sherloc (09022015). Collection method: clinical testing. Allele origin: germline.

CeGaT Center for Human Genetics Tuebingen
Classification: Likely benign. Last evaluated: 2026-01-01. Review status: criteria provided, single submitter. Criteria: CeGaT Center For Human Genetics Tuebingen Variant Classification Criteria Version 2. Collection method: clinical testing. Allele origin: germline. Affected: yes. Observed: 2 variant alleles.
Comment: ALG1: BS2

PreventionGenetics, part of Exact Sciences
Classification: Likely benign for ALG1-related condition. Last evaluated: 2025-11-05. Review status: criteria provided, single submitter. Criteria: ACMG Guidelines, 2015. Collection method: clinical testing. Allele origin: germline.
Comment: This variant is classified as likely benign based on ACMG/AMP sequence variant interpretation guidelines (Richards et al. 2015 PMID: 25741868, with internal and published modifications).

Blueprint Genetics
Classification: Likely benign. Last evaluated: 2024-11-13. Review status: criteria provided, single submitter. Criteria: ACMG Guidelines, 2015. Collection method: clinical testing. Allele origin: germline.

Fulgent Genetics
Classification: Likely benign for ALG1-congenital disorder of glycosylation. Last evaluated: 2021-09-28. Review status: criteria provided, single submitter. Criteria: ACMG Guidelines, 2015. Collection method: clinical testing. Allele origin: unknown.